The following is an entry in ClinVar:

NM_000540.3(RYR1):c.12349G>A (p.Asp4117Asn)

Gene: RYR1 (ryanodine receptor 1; plus strand). Cytogenetic location: 19q13.2.
Variant type: single nucleotide variant.
Coding change: c.12349G>A on transcript NM_000540.3 (MANE Select); coding-DNA position 12349, G replaced by A.
Protein change: p.Asp4117Asn; replaces aspartic acid 4117 with asparagine.
Molecular consequence: missense variant.
Genome position (GRCh38, 1-based): chr19:38,561,179, G>A. VCF-style: chr19-38561179-G-A. GRCh37 (hg19) VCF-style: chr19-39051819-G-A.
Other names: c.12334G>A, p.Asp4112Asn (NM_001042723.2); short protein forms D4112N, D4117N.
Identifiers: ClinVar variation 3388551 (VCV003388551.14).

ClinVar aggregate classification (germline): Uncertain significance (1 of 4 stars; one submission).

gnomAD v4.1: 55 of 1,614,078 alleles (0.0034%); highest among the groups gnomAD compares: Non-Finnish European, 0.0044%; no homozygotes.

Submission:

CeGaT Center for Human Genetics Tuebingen
Classification: Uncertain significance. Last evaluated: 2024-11-01. Review status: criteria provided, single submitter. Criteria: CeGaT Center For Human Genetics Tuebingen Variant Classification Criteria Version 2. Collection method: clinical testing. Allele origin: germline. Affected: yes. Observed: 1 variant allele.
Comment: RYR1: PM2, PP3